The following is an entry in ClinVar:

NM_020988.3(GNAO1):c.723+3983delinsTTGCAGA

Gene: GNAO1 (G protein subunit alpha o1; plus strand). Cytogenetic location: 16q13.
Variant type: Indel.
Coding change: c.723+3983delinsTTGCAGA on transcript NM_020988.3 (MANE Select); 3983 bases into the intron after coding-DNA position 723, C replaced by TTGCAGA.
Molecular consequence: intron variant. On other transcripts: inframe indel (1).
Genome position (GRCh38, 1-based): chr16:56,340,843, C replaced by TTGCAGA. VCF-style: chr16-56340843-C-TTGCAGA. GRCh37 (hg19) VCF-style: chr16-56374755-C-TTGCAGA.
Other names: c.733delinsTTGCAGA, p.His245delinsLeuGlnAsn (NM_138736.3).
Identifiers: ClinVar variation 4886355 (VCV004886355.2).

ClinVar aggregate classification (germline): Uncertain significance (1 of 4 stars; one submission).

Submission:

Dasa
Classification: Uncertain significance. Last evaluated: 2024-10-31. Review status: criteria provided, single submitter. Criteria: DASA Assertion Criteria. Collection method: clinical testing. Allele origin: germline.
Comment: NM_138736.3(GNAO1):c.733delinsTTGCAGA (p.His245delinsLeuGlnAsn) is an in-frame insertion/deletion-insertion predicted to alter the protein sequence without shifting the reading frame. This variant is absent from population databases. The currently available literature and clinical evidence are not sufficient to establish a definitive association between this variant and the reported condition. Therefore, this variant is classified as a variant of uncertain significance.